The following is an entry in ClinVar:

ClinVar aggregate classification (germline): Benign/Likely benign. Review status: criteria provided, multiple submitters, no conflicts (2 of 4 stars). 3 submissions from 3 submitters: Benign (1); Likely benign (1). 1 of the submissions does not count toward it. Last evaluated 2025-10-21.

Conditions:
KDF1-related disorder. Also called: KDF1-related condition.

Allele frequency attached by ClinVar (database versions not stated): 1000 Genomes Project 30x 0.00047; 1000 Genomes Project 0.00060; ExAC 0.00178; gnomAD exomes 0.00188 and 0.00381; gnomAD 0.00225; TOPMed 0.00246; ESP Exome Variant Server 0.00331.
gnomAD v4.1: 5,898 of 1,613,346 alleles (0.37%); highest among the groups gnomAD compares: Non-Finnish European, 0.46%; 11 homozygotes.

Submissions (3):

Labcorp Genetics (formerly Invitae), Labcorp
Classification: Benign. Last evaluated: 2025-10-21. Review status: criteria provided, single submitter. Criteria: Invitae Variant Classification Sherloc (09022015). Collection method: clinical testing. Allele origin: germline.

Blueprint Genetics
Classification: Likely benign. Last evaluated: 2024-11-26. Review status: criteria provided, single submitter. Criteria: ACMG Guidelines, 2015. Collection method: clinical testing. Allele origin: germline.

PreventionGenetics, part of Exact Sciences
Classification: Likely benign for KDF1-related condition. Last evaluated: 2019-12-09. Review status: no assertion criteria provided. Collection method: clinical testing. Allele origin: germline. Not counted in ClinVar's aggregate classification.
Comment: This variant is classified as likely benign based on ACMG/AMP sequence variant interpretation guidelines (Richards et al. 2015 PMID: 25741868, with internal and published modifications).

NM_152365.3(KDF1):c.1040-6C>T

Gene: KDF1 (keratinocyte differentiation factor 1; minus strand). Cytogenetic location: 1p36.11.
Variant type: single nucleotide variant.
Coding change: c.1040-6C>T on transcript NM_152365.3 (MANE Select); 6 bases into the intron before coding-DNA position 1040, C replaced by T.
Molecular consequence: intron variant.
Genome position (GRCh38, 1-based): chr1:26,950,762, G>A on the plus strand (C>T on the coding strand, the complement: KDF1 is on the minus strand). VCF-style: chr1-26950762-G-A. GRCh37 (hg19) VCF-style: chr1-27277253-G-A.
Identifiers: ClinVar variation 782077 (VCV000782077.12), dbSNP rs150374655, ClinGen allele CA710182.
Genomic context (GRCh38, chr1:26,950,762, plus strand): 5'-AGCTTCCGGGCGATGGCATCTGCAGTCGTCTCCTGGGAGATCTGCACTGTCAGCTCTAGG[G>A]AGGGAACGTGAGGCAAGCAGTGGTCATTAGCACGTTCTTTCAACCCTATTTCCTACTTCT-3'